The following is an entry in ClinVar:

NM_001365276.2(TNXB):c.8192C>T (p.Pro2731Leu)

Gene: TNXB (tenascin XB; minus strand). Cytogenetic location: 6p21.33.
Variant type: single nucleotide variant.
Coding change: c.8192C>T on transcript NM_001365276.2 (MANE Select); coding-DNA position 8192, C replaced by T.
Protein change: p.Pro2731Leu; replaces proline 2731 with leucine.
Molecular consequence: missense variant.
Genome position (GRCh38, 1-based): chr6:32,056,126, G>A on the plus strand (C>T on the coding strand, the complement: TNXB is on the minus strand). VCF-style: chr6-32056126-G-A. GRCh37 (hg19) VCF-style: chr6-32023903-G-A.
Other names: c.8192C>T, p.Pro2731Leu (NM_019105.8); short protein forms P2731L.
Identifiers: ClinVar variation 1702351 (VCV001702351.6), dbSNP rs440160, ClinGen allele CA3733924.

ClinVar aggregate classification (germline): Uncertain significance. Review status: criteria provided, multiple submitters, no conflicts (2 of 4 stars). 3 submissions from 3 submitters: Uncertain significance (3). Last evaluated 2026-06-09.

Conditions:
Ehlers-Danlos syndrome (EDS). Identifiers: Orphanet 98249, MedGen C0013720, MONDO:0020066.
Cardiovascular phenotype. Identifiers: MedGen CN230736.

gnomAD v4.1: 33 of 1,612,478 alleles (0.002%); highest among the groups gnomAD compares: Middle Eastern, 0.033%; no homozygotes.

Submissions (3):

Women's Health and Genetics/Laboratory Corporation of America, LabCorp
Classification: Uncertain significance. Last evaluated: 2026-06-09. Review status: criteria provided, single submitter. Criteria: LabCorp Variant Classification Summary - May 2015. Collection method: clinical testing. Allele origin: germline.
Comment: Variant summary: TNXB c.8192C>T (p.Pro2731Leu) results in a non-conservative amino acid change in the encoded protein sequence. Algorithms developed to predict the effect of missense changes on protein structure and function are either unavailable or do not agree on the potential impact of this missense change. The variant allele was found at a frequency of 3.7e-05 in 243560 control chromosomes. The available data on variant occurrences in the general population are insufficient to allow any conclusion about variant significance. To our knowledge, no occurrence of c.8192C>T in individuals affected with TNXB-related conditions and no experimental evidence demonstrating its impact on protein function have been reported. ClinVar contains an entry for this variant (Variation ID: 1702351). Based on the evidence outlined above, the variant was classified as uncertain significance.

Genome Diagnostics Laboratory, The Hospital for Sick Children
Classification: Uncertain significance for Ehlers-Danlos syndrome. Last evaluated: 2021-10-01. Review status: criteria provided, single submitter. Criteria: ACMG Guidelines, 2015. Collection method: clinical testing. Allele origin: germline.

Ambry Genetics
Classification: Uncertain significance for Cardiovascular phenotype. Last evaluated: 2019-06-27. Review status: criteria provided, single submitter. Criteria: Ambry Variant Classification Scheme 2023. Collection method: clinical testing. Allele origin: germline.
Comment: The p.P2731L variant (also known as c.8192C>T), located in coding exon 23 of the TNXB gene, results from a C to T substitution at nucleotide position 8192. The proline at codon 2731 is replaced by leucine, an amino acid with similar properties. This amino acid position is highly conserved in available vertebrate species. In addition, this alteration is predicted to be tolerated by in silico analysis. Since supporting evidence is limited at this time, the clinical significance of this alteration remains unclear.